The following is an entry in ClinVar:

NM_001267550.2(TTN):c.64066A>G (p.Lys21356Glu)

Genes: TTN-AS1 (TTN antisense RNA 1; plus strand), TTN (titin; minus strand). Cytogenetic location: 2q31.2.
Variant type: single nucleotide variant.
Coding change: c.64066A>G on transcript NM_001267550.2 (MANE Select); coding-DNA position 64066, A replaced by G.
Protein change: p.Lys21356Glu; replaces lysine 21356 with glutamic acid.
Molecular consequence: missense variant.
Genome position (GRCh38, 1-based): chr2:178,587,145, T>C on the plus strand (A>G on the coding strand, the complement: TTN is on the minus strand). VCF-style: chr2-178587145-T-C. GRCh37 (hg19) VCF-style: chr2-179451872-T-C.
Other names: c.59143A>G, p.Lys19715Glu (NM_001256850.1); c.36871A>G, p.Lys12291Glu (NM_003319.4); c.56362A>G, p.Lys18788Glu (NM_133378.4); c.37246A>G, p.Lys12416Glu (NM_133432.3); c.37447A>G, p.Lys12483Glu (NM_133437.4); short protein forms K19715E, K12483E, K12416E, K18788E, K21356E, K12291E.
Identifiers: ClinVar variation 1028579 (VCV001028579.1), dbSNP rs2049196006, ClinGen allele CA349446147.

ClinVar aggregate classification (germline): Uncertain significance (1 of 4 stars; one submission).

Conditions:
Dilated cardiomyopathy 1G (CMD1G). Identifiers: Orphanet 154, MedGen C1858763, MONDO:0011400, OMIM 604145.

Submission:

Baylor Genetics
Classification: Uncertain significance for Dilated cardiomyopathy 1G. Last evaluated: 2020-06-03. Review status: criteria provided, single submitter. Criteria: ACMG Guidelines, 2015. Collection method: clinical testing. Allele origin: unknown. Affected: yes.
Comment: This variant was determined to be of uncertain significance according to ACMG Guidelines, 2015 [PMID:25741868].